The following is an entry in ClinVar:

ClinVar aggregate classification (germline): Uncertain significance (1 of 4 stars; one submission).

Conditions:
Hypotonia, ataxia, and delayed development syndrome (HADDS). Also called: EBF3 Neurodevelopmental Disorder. Identifiers: Orphanet 658843, MedGen C4310618, MONDO:0015021, OMIM 617330.

Submission:

Institute of Immunology and Genetics Kaiserslautern
Classification: Uncertain significance for Hypotonia, ataxia, and delayed development syndrome. Last evaluated: 2025-06-02. Review status: criteria provided, single submitter. Criteria: ACMG Guidelines, 2015. Collection method: clinical testing. Allele origin: germline. Affected: yes.
Comment: ACMG Criteria: PM2_P; Variant was found in heterozygous state.

NM_001375380.1(EBF3):c.1128+6T>C

Gene: EBF3 (EBF transcription factor 3; minus strand). Cytogenetic location: 10q26.3.
Variant type: single nucleotide variant.
Coding change: c.1128+6T>C on transcript NM_001375380.1 (MANE Select); 6 bases into the intron after coding-DNA position 1128, T replaced by C.
Molecular consequence: intron variant.
Genome position (GRCh38, 1-based): chr10:129,848,386, A>G on the plus strand (T>C on the coding strand, the complement: EBF3 is on the minus strand). VCF-style: chr10-129848386-A-G. GRCh37 (hg19) VCF-style: chr10-131646650-A-G.
Other names: c.1128+6T>C (NM_001375391.1, NM_001375389.1, NM_001375379.1); c.1101+6T>C (NM_001375392.1, NM_001005463.3, NM_001375390.1).
Identifiers: ClinVar variation 4074725 (VCV004074725.1).